The following is an entry in ClinVar:

NM_002739.5(PRKCG):c.301C>A (p.His101Asn)

Gene: PRKCG (protein kinase C gamma; plus strand). Cytogenetic location: 19q13.42.
Variant type: single nucleotide variant.
Coding change: c.301C>A on transcript NM_002739.5 (MANE Select); coding-DNA position 301, C replaced by A.
Protein change: p.His101Asn; replaces histidine 101 with asparagine.
Molecular consequence: missense variant.
Genome position (GRCh38, 1-based): chr19:53,889,653, C>A. VCF-style: chr19-53889653-C-A. GRCh37 (hg19) VCF-style: chr19-54392907-C-A.
Other names: c.301C>A, p.His101Asn (NM_001316329.2); short protein forms H101N.
Identifiers: ClinVar variation 4532457 (VCV004532457.1).

ClinVar aggregate classification (germline): Uncertain significance (1 of 4 stars; one submission).

Submission:

GeneDx
Classification: Uncertain significance. Last evaluated: 2025-05-28. Review status: criteria provided, single submitter. Criteria: GeneDx Variant Classification Process June 2021. Collection method: clinical testing. Allele origin: germline. Affected: yes.
Comment: Not observed at significant frequency in large population cohorts (gnomAD); In silico analysis supports that this missense variant has a deleterious effect on protein structure/function; Has not been previously published as pathogenic or benign to our knowledge